The following is an entry in ClinVar:

NM_002473.6(MYH9):c.719G>T (p.Arg240Leu)

Gene: MYH9 (myosin heavy chain 9; minus strand). Cytogenetic location: 22q12.3.
Variant type: single nucleotide variant.
Coding change: c.719G>T on transcript NM_002473.6 (MANE Select); coding-DNA position 719, G replaced by T.
Protein change: p.Arg240Leu; replaces arginine 240 with leucine.
Molecular consequence: missense variant.
Genome position (GRCh38, 1-based): chr22:36,321,808, C>A on the plus strand (G>T on the coding strand, the complement: MYH9 is on the minus strand). VCF-style: chr22-36321808-C-A. GRCh37 (hg19) VCF-style: chr22-36717853-C-A.
Other names: short protein forms R240L.
Identifiers: ClinVar variation 1714149 (VCV001714149.5), dbSNP rs755933569, ClinGen allele CA411406216.

ClinVar aggregate classification (germline): Uncertain significance (1 of 4 stars; one submission).

Submission:

Labcorp Genetics (formerly Invitae), Labcorp
Classification: Uncertain significance. Last evaluated: 2024-04-05. Review status: criteria provided, single submitter. Criteria: Invitae Variant Classification Sherloc (09022015). Collection method: clinical testing. Allele origin: germline.
Comment: This sequence change replaces arginine, which is basic and polar, with leucine, which is neutral and non-polar, at codon 240 of the MYH9 protein (p.Arg240Leu). This variant is not present in population databases (gnomAD no frequency). This variant has not been reported in the literature in individuals affected with MYH9-related conditions. ClinVar contains an entry for this variant (Variation ID: 1714149). Advanced modeling of protein sequence and biophysical properties (such as structural, functional, and spatial information, amino acid conservation, physicochemical variation, residue mobility, and thermodynamic stability) has been performed at Invitae for this missense variant, however the output from this modeling did not meet the statistical confidence thresholds required to predict the impact of this variant on MYH9 protein function. In summary, the available evidence is currently insufficient to determine the role of this variant in disease. Therefore, it has been classified as a Variant of Uncertain Significance.